The following is an entry in ClinVar:

NM_012330.4(KAT6B):c.5749A>G (p.Ile1917Val)

Gene: KAT6B (lysine acetyltransferase 6B; plus strand). Cytogenetic location: 10q22.2.
Variant type: single nucleotide variant.
Coding change: c.5749A>G on transcript NM_012330.4 (MANE Select); coding-DNA position 5749, A replaced by G.
Protein change: p.Ile1917Val; replaces isoleucine 1917 with valine.
Molecular consequence: missense variant.
Genome position (GRCh38, 1-based): chr10:75,030,573, A>G. VCF-style: chr10-75030573-A-G. GRCh37 (hg19) VCF-style: chr10-76790331-A-G.
Other names: c.5749A>G (NM_012330.2); c.5200A>G, p.Ile1734Val (NM_001256468.2, NM_001370138.1); c.4873A>G, p.Ile1625Val (NM_001256469.2, NM_001370139.1, NM_001370140.1 and 2 more transcripts); c.4711A>G, p.Ile1571Val (NM_001370132.1); c.4060A>G, p.Ile1354Val (NM_001370133.1); c.3664A>G, p.Ile1222Val (NM_001370134.1); c.3406A>G, p.Ile1136Val (NM_001370135.1); c.5749A>G, p.Ile1917Val (NM_001370136.1, NM_001370137.1); and 1 more; short protein forms I1917V, I1562V, I1222V, I1354V, I1734V, I1136V, I1571V, I1625V.
Identifiers: ClinVar variation 260248 (VCV000260248.38), dbSNP rs199662367, ClinGen allele CA5565248.

ClinVar aggregate classification (germline): Benign/Likely benign. Review status: criteria provided, multiple submitters, no conflicts (2 of 4 stars). 6 submissions from 6 submitters: Benign (2); Likely benign (4). Last evaluated 2026-01-16.

Conditions:
Inborn genetic diseases. Identifiers: MedGen C0950123, MeSH D030342.
Genitopatellar syndrome (GTPTS). Also called: Genitopatellar syndrome (GPS); ABSENT PATELLAE, SCROTAL HYPOPLASIA, RENAL ANOMALIES, FACIAL DYSMORPHISM, AND MENTAL RETARDATION. Identifiers: Orphanet 85201, MedGen C1853566, MONDO:0011640, OMIM 606170.

Allele frequency attached by ClinVar (database versions not stated): ESP Exome Variant Server 0.00015; ExAC 0.00019; gnomAD exomes 0.00020 and 0.00037; gnomAD 0.00023 and 0.00024; TOPMed 0.00026.
gnomAD v4.1: 567 of 1,608,982 alleles (0.035%); highest among the groups gnomAD compares: Non-Finnish European, 0.046%; no homozygotes.

Submissions (6):

Labcorp Genetics (formerly Invitae), Labcorp
Classification: Benign for Genitopatellar syndrome. Last evaluated: 2026-01-16. Review status: criteria provided, single submitter. Criteria: Invitae Variant Classification Sherloc (09022015). Collection method: clinical testing. Allele origin: germline.

Blueprint Genetics
Classification: Likely benign. Last evaluated: 2024-09-24. Review status: criteria provided, single submitter. Criteria: ACMG Guidelines, 2015. Collection method: clinical testing. Allele origin: germline.

CeGaT Center for Human Genetics Tuebingen
Classification: Likely benign. Last evaluated: 2024-06-01. Review status: criteria provided, single submitter. Criteria: CeGaT Center For Human Genetics Tuebingen Variant Classification Criteria Version 2. Collection method: clinical testing. Allele origin: germline. Affected: yes. Observed: 2 variant alleles.
Comment: KAT6B: BS2

Ambry Genetics
Classification: Likely benign for Inborn genetic diseases. Last evaluated: 2021-11-05. Review status: criteria provided, single submitter. Criteria: Ambry Variant Classification Scheme 2023. Collection method: clinical testing. Allele origin: germline.

GeneDx
Classification: Benign. Last evaluated: 2020-06-03. Review status: criteria provided, single submitter. Criteria: GeneDx Variant Classification Process June 2021. Collection method: clinical testing. Allele origin: germline. Affected: yes.
Comment: This variant is associated with the following publications: (PMID: 22077973)

PreventionGenetics, part of Exact Sciences
Classification: Likely benign. Review status: criteria provided, single submitter. Criteria: ACMG Guidelines, 2015. Collection method: clinical testing. Allele origin: germline.